The following is an entry in ClinVar:

ClinVar aggregate classification (germline): Uncertain significance. Review status: criteria provided, multiple submitters, no conflicts (2 of 4 stars). 4 submissions from 4 submitters: Uncertain significance (4). Last evaluated 2024-04-09.

Conditions:
Classic or attenuated familial adenomatous polyposis. Identifiers: MedGen CN372698, MONDO:0021057.
Familial adenomatous polyposis 1 (FAP1). Also called: POLYPOSIS, ADENOMATOUS INTESTINAL; FAMILIAL ADENOMATOUS POLYPOSIS 1, ATTENUATED. Identifiers: MedGen C2713442, MONDO:0021056, OMIM 175100. Disease mechanism: loss of function.
Hereditary cancer-predisposing syndrome. Also called: Neoplastic Syndromes, Hereditary; Tumor predisposition; Hereditary neoplastic syndrome; Hereditary Cancer Syndrome. Identifiers: Orphanet 140162, MedGen C0027672, MeSH D009386, MONDO:0015356.

Allele frequency attached by ClinVar (database versions not stated): gnomAD 0.00001.
gnomAD v4.1: 1 of 1,613,636 alleles (0.000062%); highest among the groups gnomAD compares: African/African-American, 0.0013%; no homozygotes.

Submissions (4):

Ambry Genetics
Classification: Uncertain significance for Hereditary cancer-predisposing syndrome. Last evaluated: 2024-04-09. Review status: criteria provided, single submitter. Criteria: Ambry Variant Classification Scheme 2023. Collection method: clinical testing. Allele origin: germline.
Comment: The p.A2576V variant (also known as c.7727C>T), located in coding exon 15 of the APC gene, results from a C to T substitution at nucleotide position 7727. The alanine at codon 2576 is replaced by valine, an amino acid with similar properties. This amino acid position is highly conserved in available vertebrate species. In addition, in silico predictors for this gene do not accurately predict pathogenicity. Since supporting evidence is limited at this time, the clinical significance of this alteration remains unclear.

All of Us Research Program, National Institutes of Health
Classification: Uncertain significance for Classic or attenuated familial adenomatous polyposis. Last evaluated: 2024-03-24. Review status: criteria provided, single submitter. Criteria: ACMG Guidelines, 2015. Collection method: clinical testing. Allele origin: germline. Inheritance: Autosomal dominant inheritance. Observed: 1 variant allele, 1 heterozygote.
Comment: This missense variant replaces alanine with valine at codon 2576 of the APC protein. Computational prediction suggests that this variant may not impact protein structure and function (internally defined REVEL score threshold <= 0.5, PMID: 27666373). To our knowledge, functional studies have not been reported for this variant. This variant has not been reported in individuals affected with APC-related disorders in the literature. This variant has not been identified in the general population by the Genome Aggregation Database (gnomAD). The available evidence is insufficient to determine the role of this variant in disease conclusively. Therefore, this variant is classified as a Variant of Uncertain Significance.

This study involves interpretation of variants in research participants for the purpose of population health screening. Participant phenotype was not available at the time of variant classification. Additional details can be found in publication PMID: 35346344, PMCID: PMC8962531

Labcorp Genetics (formerly Invitae), Labcorp
Classification: Uncertain significance for Familial adenomatous polyposis 1. Last evaluated: 2023-05-31. Review status: criteria provided, single submitter. Criteria: Invitae Variant Classification Sherloc (09022015). Collection method: clinical testing. Allele origin: germline.
Comment: This variant has not been reported in the literature in individuals affected with APC-related conditions. In summary, the available evidence is currently insufficient to determine the role of this variant in disease. Therefore, it has been classified as a Variant of Uncertain Significance. Advanced modeling of protein sequence and biophysical properties (such as structural, functional, and spatial information, amino acid conservation, physicochemical variation, residue mobility, and thermodynamic stability) performed at Invitae indicates that this missense variant is not expected to disrupt APC protein function. ClinVar contains an entry for this variant (Variation ID: 827224). This variant is not present in population databases (gnomAD no frequency). This sequence change replaces alanine, which is neutral and non-polar, with valine, which is neutral and non-polar, at codon 2576 of the APC protein (p.Ala2576Val).

GeneDx
Classification: Uncertain significance. Last evaluated: 2019-04-17. Review status: criteria provided, single submitter. Criteria: GeneDx Variant Classification Process June 2021. Collection method: clinical testing. Allele origin: germline. Affected: yes.
Comment: Not observed in large population cohorts (Lek et al., 2016); Has not been previously published as pathogenic or benign to our knowledge

NM_000038.6(APC):c.7727C>T (p.Ala2576Val)

Gene: APC (APC regulator of Wnt signaling pathway; plus strand). Cytogenetic location: 5q22.2.
Variant type: single nucleotide variant.
Coding change: c.7727C>T on transcript NM_000038.6 (MANE Select); coding-DNA position 7727, C replaced by T.
Protein change: p.Ala2576Val; replaces alanine 2576 with valine.
Molecular consequence: missense variant.
Genome position (GRCh38, 1-based): chr5:112,843,321, C>T. VCF-style: chr5-112843321-C-T. GRCh37 (hg19) VCF-style: chr5-112179018-C-T.
Other names: c.7727C>T, p.Ala2576Val (NM_001127510.3, NM_001354895.2); c.7673C>T, p.Ala2558Val (NM_001127511.3); c.7781C>T, p.Ala2594Val (NM_001354896.2); c.7757C>T, p.Ala2586Val (NM_001354897.2); c.7652C>T, p.Ala2551Val (NM_001354898.2); c.7643C>T, p.Ala2548Val (NM_001354899.2); c.7604C>T, p.Ala2535Val (NM_001354900.2); c.7550C>T, p.Ala2517Val (NM_001354901.2); and 5 more; short protein forms A2293V, A2475V, A2558V, A2594V, A2485V, A2551V, A2416V, A2450V.
Identifiers: ClinVar variation 827224 (VCV000827224.16), dbSNP rs1580685926, ClinGen allele CA16038113.
Genomic context (GRCh38, chr5:112,843,321, plus strand): 5'-CATCCCTTCCTCGAGTAAGCACTTGGAGAAGAACTGGAAGTTCATCTTCAATTCTTTCTG[C>T]TTCATCAGAATCCAGTGAAAAAGCAAAAAGTGAGGATGAAAAACATGTGAACTCTATTTC-3'
Protein context (NP_000029.2, residues 2566-2586): RTGSSSSILS[Ala2576Val]SSESSEKAKS